The following is an entry in ClinVar:

ClinVar aggregate classification (germline): Uncertain significance (1 of 4 stars; one submission).

Conditions:
Cryopyrin associated periodic syndrome (CAPS). Identifiers: Orphanet 208650, MedGen C2316212, MONDO:0016168.

Allele frequency attached by ClinVar (database versions not stated): gnomAD exomes below 0.00001.
gnomAD v4.1: 7 of 1,614,160 alleles (0.00043%); highest among the groups gnomAD compares: Middle Eastern, 0.016%; no homozygotes.

Submission:

Labcorp Genetics (formerly Invitae), Labcorp
Classification: Uncertain significance for Cryopyrin associated periodic syndrome. Last evaluated: 2022-05-17. Review status: criteria provided, single submitter. Criteria: Invitae Variant Classification Sherloc (09022015). Collection method: clinical testing. Allele origin: germline.
Comment: In summary, the available evidence is currently insufficient to determine the role of this variant in disease. Therefore, it has been classified as a Variant of Uncertain Significance. Algorithms developed to predict the effect of missense changes on protein structure and function output the following: SIFT: "Tolerated"; PolyPhen-2: "Benign"; Align-GVGD: "Class C0". The glutamic acid amino acid residue is found in multiple mammalian species, which suggests that this missense change does not adversely affect protein function. This variant has not been reported in the literature in individuals affected with NLRP3-related conditions. This variant is present in population databases (no rsID available, gnomAD no frequency). This sequence change replaces lysine, which is basic and polar, with glutamic acid, which is acidic and polar, at codon 540 of the NLRP3 protein (p.Lys540Glu).

NM_001243133.2(NLRP3):c.1612A>G (p.Lys538Glu)

Gene: NLRP3 (NLR family pyrin domain containing 3; plus strand). Cytogenetic location: 1q44.
Variant type: single nucleotide variant.
Coding change: c.1612A>G on transcript NM_001243133.2 (MANE Select); coding-DNA position 1612, A replaced by G.
Protein change: p.Lys538Glu; replaces lysine 538 with glutamic acid.
Molecular consequence: missense variant.
Genome position (GRCh38, 1-based): chr1:247,425,061, A>G. VCF-style: chr1-247425061-A-G. GRCh37 (hg19) VCF-style: chr1-247588363-A-G.
Other names: c.1612A>G, p.Lys538Glu (NM_001079821.3, NM_001127461.3, NM_001127462.3 and 1 more transcripts); c.1618A>G, p.Lys540Glu (NM_004895.5); short protein forms K538E, K540E.
Identifiers: ClinVar variation 1983525 (VCV001983525.4), dbSNP rs1466728317, ClinGen allele CA345557444.